The following is an entry in ClinVar:

NM_000059.4(BRCA2):c.215delinsTT (p.Asn72fs)

Gene: BRCA2 (BRCA2 DNA repair associated; plus strand). Cytogenetic location: 13q13.1.
Variant type: Indel.
Coding change: c.215delinsTT on transcript NM_000059.4 (MANE Select); coding-DNA position 215, A replaced by TT.
Protein change: p.Asn72fs; shifts the reading frame from asparagine 72.
Molecular consequence: frameshift variant.
Genome position (GRCh38, 1-based): chr13:32,319,224, A replaced by TT. VCF-style: chr13-32319224-A-TT. GRCh37 (hg19) VCF-style: chr13-32893361-A-TT.
Other names: 443delAinsTT; c.215delAinsTT (NM_000059.3); short protein forms N72fs.
Identifiers: ClinVar variation 51252 (VCV000051252.5), dbSNP rs397507619, ClinGen allele CA325832.

ClinVar aggregate classification (germline): Pathogenic. Review status: reviewed by expert panel (3 of 4 stars). 2 submissions from 2 submitters: Pathogenic (1). 1 of the submissions does not count toward it. Last evaluated 2016-04-22.

Conditions:
Breast-ovarian cancer, familial, susceptibility to, 2 (BROVCA2). Also called: BRCA2 Hereditary Breast and Ovarian Cancer. Identifiers: Orphanet 145, MedGen C2675520, MONDO:0012933, OMIM 612555. Disease mechanism: loss of function.

Submissions (2):

Evidence-based Network for the Interpretation of Germline Mutant Alleles (ENIGMA)
Classification: Pathogenic for Breast-ovarian cancer, familial, susceptibility to, 2. Last evaluated: 2016-04-22. Review status: reviewed by expert panel. Criteria: ENIGMA BRCA1/2 Classification Criteria (2015). Collection method: curation. Allele origin: germline.
Comment: Variant allele predicted to encode a truncated non-functional protein.

Consortium of Investigators of Modifiers of BRCA1/2 (CIMBA), c/o University of Cambridge
Classification: Pathogenic for Breast-ovarian cancer, familial, susceptibility to, 2. Last evaluated: 2015-10-02. Review status: criteria provided, single submitter. Criteria: CIMBA Mutation Classification guidelines May 2016. Collection method: clinical testing. Allele origin: germline. Not counted in ClinVar's aggregate classification.